The following is an entry in ClinVar:

ClinVar aggregate classification (germline): Pathogenic/Likely pathogenic. Review status: criteria provided, multiple submitters, no conflicts (2 of 4 stars). 2 submissions from 2 submitters: Pathogenic (1); Likely pathogenic (1). Last evaluated 2022-01-27.

Conditions:
Hereditary cancer-predisposing syndrome. Also called: Neoplastic Syndromes, Hereditary; Tumor predisposition; Hereditary Cancer Syndrome; Hereditary neoplastic syndrome. Identifiers: Orphanet 140162, MedGen C0027672, MeSH D009386, MONDO:0015356.
Lynch syndrome 4 (LYNCH4). Also called: Colorectal cancer, hereditary nonpolyposis, type 4; Hereditary non-polyposis colorectal cancer, type 4. Identifiers: Orphanet 144, MedGen C1838333, MONDO:0013699, OMIM 614337. Disease mechanism: loss of function.

Submissions (2):

Baylor Genetics
Classification: Likely pathogenic for Lynch syndrome 4. Last evaluated: 2022-01-27. Review status: criteria provided, single submitter. Criteria: ACMG Guidelines, 2015. Collection method: clinical testing. Allele origin: unknown.

Ambry Genetics
Classification: Pathogenic for Hereditary cancer-predisposing syndrome. Last evaluated: 2019-10-16. Review status: criteria provided, single submitter. Criteria: Ambry Variant Classification Scheme 2023. Collection method: clinical testing. Allele origin: germline.
Comment: The p.L384* pathogenic mutation (also known as c.1151T>A), located in coding exon 11 of the PMS2 gene, results from a T to A substitution at nucleotide position 1151. This changes the amino acid from a leucine to a stop codon within coding exon 11. This alteration is expected to result in loss of function by premature protein truncation or nonsense-mediated mRNA decay. As such, this alteration is interpreted as a disease-causing mutation.

NM_000535.7(PMS2):c.1151T>A (p.Leu384Ter)

Gene: PMS2 (PMS1 homolog 2, mismatch repair system component; minus strand). Cytogenetic location: 7p22.1.
Variant type: single nucleotide variant.
Coding change: c.1151T>A on transcript NM_000535.7 (MANE Select); coding-DNA position 1151, T replaced by A.
Protein change: p.Leu384Ter; replaces leucine 384 with a stop codon.
Molecular consequence: nonsense. On other transcripts: non-coding transcript variant (1).
Genome position (GRCh38, 1-based): chr7:5,987,614, A>T on the plus strand (T>A on the coding strand, the complement: PMS2 is on the minus strand). VCF-style: chr7-5987614-A-T. GRCh37 (hg19) VCF-style: chr7-6027245-A-T.
Other names: c.746T>A, p.Leu249Ter (NM_001018040.1, NM_001322003.2, NM_001322004.2 and 17 more transcripts); c.995T>A, p.Leu332Ter (NM_001322006.2, NM_001406870.1); c.833T>A, p.Leu278Ter (NM_001322007.2, NM_001322008.2, NM_001406883.1 and 2 more transcripts); c.590T>A, p.Leu197Ter (NM_001322010.2, NM_001406906.1, NM_001406907.1); c.218T>A, p.Leu73Ter (NM_001322011.2, NM_001322012.2); c.578T>A, p.Leu193Ter (NM_001322013.2, NM_001406909.1); c.1151T>A, p.Leu384Ter (NM_001322014.2, NM_001406871.1, NM_001406872.1); c.842T>A, p.Leu281Ter (NM_001322015.2, NM_001406879.1, NM_001406880.1 and 5 more transcripts); and 12 more; short protein forms L127*, L226*, L348*, L197*, L249*, L272*, L318*, L384*.
Identifiers: ClinVar variation 1734212 (VCV001734212.3), dbSNP rs1554298087, ClinGen allele CA366742694.